The following is an entry in ClinVar:

NM_000465.4(BARD1):c.1418A>C (p.His473Pro)

Gene: BARD1 (BRCA1 associated RING domain 1; minus strand). Cytogenetic location: 2q35.
Variant type: single nucleotide variant.
Coding change: c.1418A>C on transcript NM_000465.4 (MANE Select); coding-DNA position 1418, A replaced by C.
Protein change: p.His473Pro; replaces histidine 473 with proline.
Molecular consequence: missense variant. On other transcripts: non-coding transcript variant (3), intron variant (3).
Genome position (GRCh38, 1-based): chr2:214,767,632, T>G on the plus strand (A>C on the coding strand, the complement: BARD1 is on the minus strand). VCF-style: chr2-214767632-T-G. GRCh37 (hg19) VCF-style: chr2-215632356-T-G.
Other names: c.1361A>C, p.His454Pro (NM_001282543.2); c.159-15077A>C (NM_001282548.2); c.216-15077A>C (NM_001282545.2); c.364+24665A>C (NM_001282549.2); short protein forms H473P, H454P.
Identifiers: ClinVar variation 819146 (VCV000819146.9), dbSNP rs1176328026, ClinGen allele CA350448708.
Genomic context (GRCh38, chr2:214,767,632, plus strand): 5'-TGATACCCGGTGGTGTTCACCAATGCCTTATGCTGGAGCAATAATTCCACTACCTTCAGG[T>G]GCCCATGATTGCAAGCTTCATGCTAATTAAATTTTTTGAAAAAGAAGTGAAAGAAGTGAT-3'
Protein context (NP_000456.2, residues 463-483): TPLHEACNHG[His473Pro]LKVVELLLQH

ClinVar aggregate classification (germline): Uncertain significance. Review status: criteria provided, multiple submitters, no conflicts (2 of 4 stars). 2 submissions from 2 submitters: Uncertain significance (2). Last evaluated 2025-08-26.

Conditions:
Familial cancer of breast. Also called: hereditary breast carcinoma; Hereditary breast cancer; BREAST CANCER, FAMILIAL. Identifiers: Orphanet 227535, MedGen C0346153, MONDO:0016419, OMIM 114480. Disease mechanism: loss of function.
Hereditary cancer-predisposing syndrome. Also called: Tumor predisposition; Hereditary neoplastic syndrome; Neoplastic Syndromes, Hereditary; Hereditary Cancer Syndrome. Identifiers: Orphanet 140162, MedGen C0027672, MeSH D009386, MONDO:0015356.

Allele frequency attached by ClinVar (database versions not stated): gnomAD exomes below 0.00001; gnomAD 0.00001.
gnomAD v4.1: 5 of 1,613,910 alleles (0.00031%); highest among the groups gnomAD compares: South Asian, 0.0044%; no homozygotes.

Submissions (2):

Labcorp Genetics (formerly Invitae), Labcorp
Classification: Uncertain significance for Familial cancer of breast. Last evaluated: 2025-08-26. Review status: criteria provided, single submitter. Criteria: Invitae Variant Classification Sherloc (09022015). Collection method: clinical testing. Allele origin: germline.
Comment: This sequence change replaces histidine, which is basic and polar, with proline, which is neutral and non-polar, at codon 473 of the BARD1 protein (p.His473Pro). This variant is present in population databases (no rsID available, gnomAD 0.003%). This variant has not been reported in the literature in individuals affected with BARD1-related conditions. ClinVar contains an entry for this variant (Variation ID: 819146). An algorithm developed to predict the effect of missense changes on protein structure and function (PolyPhen-2) suggests that this variant is likely to be disruptive. In summary, the available evidence is currently insufficient to determine the role of this variant in disease. Therefore, it has been classified as a Variant of Uncertain Significance.

Ambry Genetics
Classification: Uncertain significance for Hereditary cancer-predisposing syndrome. Last evaluated: 2018-12-31. Review status: criteria provided, single submitter. Criteria: Ambry Variant Classification Scheme 2023. Collection method: clinical testing. Allele origin: germline.
Comment: The p.H473P variant (also known as c.1418A>C), located in coding exon 6 of the BARD1 gene, results from an A to C substitution at nucleotide position 1418. The histidine at codon 473 is replaced by proline, an amino acid with similar properties. This amino acid position is highly conserved in available vertebrate species. In addition, this alteration is predicted to be deleterious by in silico analysis. Since supporting evidence is limited at this time, the clinical significance of this alteration remains unclear.